The following is an entry in ClinVar:

ClinVar aggregate classification (germline): Likely benign (1 of 4 stars; one submission).

Submission:

CeGaT Center for Human Genetics Tuebingen
Classification: Likely benign. Last evaluated: 2026-05-01. Review status: criteria provided, single submitter. Criteria: CeGaT Center For Human Genetics Tuebingen Variant Classification Criteria Version 2. Collection method: clinical testing. Allele origin: germline. Affected: yes. Observed: 1 variant allele.
Comment: INPP5K: PM2:Supporting, BP4, BP7

NM_016532.4(INPP5K):c.183C>T (p.Ser61=)

Gene: INPP5K (inositol polyphosphate-5-phosphatase K; minus strand). Cytogenetic location: 17p13.3.
Variant type: single nucleotide variant.
Coding change: c.183C>T on transcript NM_016532.4 (MANE Select); coding-DNA position 183, C replaced by T.
Protein change: p.Ser61=; no amino-acid change (serine 61 retained).
Molecular consequence: synonymous variant. On other transcripts: 5 prime UTR variant (2).
Genome position (GRCh38, 1-based): chr17:1,513,531, G>A on the plus strand (C>T on the coding strand, the complement: INPP5K is on the minus strand). VCF-style: chr17-1513531-G-A. GRCh37 (hg19) VCF-style: chr17-1416825-G-A.
Other names: c.-46C>T (NM_001135642.2, NM_130766.3).
Identifiers: ClinVar variation 4875017 (VCV004875017.2).
Genomic context (GRCh38, chr17:1,513,531, plus strand): 5'-GGAAAGCACATCCATGAGGAAACTGCTCCACGAGTCATTAAAGGCAGCATCGGAAAGGAG[G>A]CTTATGATCCCAGAGTTCAATTCCTGCAAACTGACCATGCCAGCTCAGAGGCTTGGCCCC-3'
Protein context (NP_057616.2, residues 51-71): GLQELNSGII[Ser61=]LLSDAAFNDS